The following is an entry in ClinVar:

ClinVar aggregate classification (germline): Likely pathogenic. Review status: criteria provided, multiple submitters, no conflicts (2 of 4 stars). 2 submissions from 2 submitters: Likely pathogenic (2). Last evaluated 2023-03-30.

Conditions:
Polycystic kidney disease, adult type (PKD1). Also called: Polycystic Kidney Disease 1, Autosomal Dominant; Polycystic kidney disease 1; Polycystic kidney disease 1, severe; Polycystic Kidney, Autosomal Dominant; POLYCYSTIC KIDNEY DISEASE 1 WITH OR WITHOUT POLYCYSTIC LIVER DISEASE; POLYCYSTIC KIDNEY DISEASE, ADULT, TYPE I. Identifiers: MedGen C3149841, MONDO:0008263, OMIM 173900.

Submissions (2):

Molecular Genetics, Royal Melbourne Hospital
Classification: Likely pathogenic for Polycystic kidney disease, adult type. Last evaluated: 2023-03-30. Review status: criteria provided, single submitter. Criteria: ACMG Guidelines, 2015. Collection method: clinical testing. Allele origin: germline. Affected: yes.
Comment: This sequence change is a deletion of 10 bp in exon 45 (of 46) of PKD1 that is predicted to create a premature termination codon at position 4,194 (p.Arg4109Profs*86). While this is not anticipated to result in nonsense mediated decay, it is expected to remove the last 209 amino acids, including the coiled-coil domain. This domain is critical for PKD1 function and required for interaction with PKD2 (PMID: 9192675, 25574838). Loss of function variants have been reported downstream of this variant (PVS1_Strong; ClinVar). The variant is absent in a large population cohort (PM2; gnomAD v2.1), and has been reported in at least one individual with a clinical diagnosis of autosomal dominant polycystic kidney disease (PS4_Supporting; Genome One). Based on the classification scheme RMH ACMG Guidelines v1.2.1, this variant is classified as LIKELY PATHOGENIC. Following criteria are met: PVS1_Strong, PM2, PS4_Supporting.

Molecular Genetics of Inherited Kidney Disorders Laboratory, Garvan Institute of Medical Research
Classification: Likely pathogenic. Last evaluated: 2019-01-01. Review status: criteria provided, single submitter. Criteria: ACMG Guidelines, 2015. Collection method: clinical testing. Allele origin: germline. Affected: yes.

Literature cited by the submitters: PubMed 9192675 (cited by Molecular Genetics, Royal Melbourne Hospital); PubMed 25574838 (cited by Molecular Genetics, Royal Melbourne Hospital).

NM_001009944.3(PKD1):c.12326_12335del (p.Arg4109fs)

Gene: PKD1 (polycystin 1, transient receptor potential channel interacting; minus strand). Cytogenetic location: 16p13.3.
Variant type: Deletion.
Coding change: c.12326_12335del on transcript NM_001009944.3 (MANE Select); coding-DNA positions 12326 to 12335, 10 bases deleted (GCTACCACGC; older notation c.12326_12335delGCTACCACGC).
Protein change: p.Arg4109fs; shifts the reading frame from arginine 4109.
Molecular consequence: frameshift variant.
Genome position (GRCh38, 1-based): chr16:2,090,394-2,090,403, GCGTGGTAGC deleted on the plus strand (GCTACCACGC on the coding strand, the reverse complement: PKD1 is on the minus strand); deleting any 10 consecutive bases within chr16:2,090,394-2,090,405 gives the same sequence; the c. name uses the placement nearest the transcript's 3' end. VCF-style (leftmost placement, unchanged base first): chr16-2090393-GGCGTGGTAGC-G. GRCh37 (hg19) VCF-style: chr16-2140394-GGCGTGGTAGC-G.
Other names: c.12323_12332del, p.Arg4108fs (NM_000296.4); c.12326_12335delGCTACCACGC (NM_001009944.2, NM_001009944.3); short protein forms R4109fs, R4108fs.
Identifiers: ClinVar variation 972880 (VCV000972880.3), dbSNP rs2091440547, ClinGen allele CA916079844.
Genomic context (GRCh38, chr16:2,090,393, plus strand): 5'-CAACTCCACCATCTCGTAGTCCTGGGGCTCCCAGGCCGGCCGGTACAGCTCTCCACGCAA[GGCGTGGTAGC>G]GCCAGCGGAGAATAACAGCCCCCAGCCGTAGGGCGCCCCACAGCCGCAGTGCCCAGAGCC-3'